The following is an entry in ClinVar:

NM_000784.4(CYP27A1):c.1247T>C (p.Phe416Ser)

Gene: CYP27A1 (cytochrome P450 family 27 subfamily A member 1; plus strand). Cytogenetic location: 2q35.
Variant type: single nucleotide variant.
Coding change: c.1247T>C on transcript NM_000784.4 (MANE Select); coding-DNA position 1247, T replaced by C.
Protein change: p.Phe416Ser; replaces phenylalanine 416 with serine.
Molecular consequence: missense variant.
Genome position (GRCh38, 1-based): chr2:218,814,442, T>C. VCF-style: chr2-218814442-T-C. GRCh37 (hg19) VCF-style: chr2-219679165-T-C.
Other names: c.1247T>C (NM_000784.3); short protein forms F416S.
Identifiers: ClinVar variation 1975246 (VCV001975246.3), dbSNP rs2470229505, ClinGen allele CA350593426.

ClinVar aggregate classification (germline): Uncertain significance. Review status: criteria provided, multiple submitters, no conflicts (2 of 4 stars). 2 submissions from 2 submitters: Uncertain significance (2). Last evaluated 2025-01-01.

Conditions:
Cardiovascular phenotype. Identifiers: MedGen CN230736.
Cholestanol storage disease (CTX). Also called: CTX: Cerebrotendinous xanthomatosis; CEREBRAL CHOLESTERINOSIS; Cerebrotendinous Xanthomatosis. Identifiers: Orphanet 909, MedGen C0238052, MONDO:0008948, OMIM 213700.

Submissions (2):

Ambry Genetics
Classification: Uncertain significance for Cardiovascular phenotype. Last evaluated: 2025-01-01. Review status: criteria provided, single submitter. Criteria: Ambry Variant Classification Scheme 2023. Collection method: clinical testing. Allele origin: germline.

Labcorp Genetics (formerly Invitae), Labcorp
Classification: Uncertain significance for Cholestanol storage disease. Last evaluated: 2022-04-25. Review status: criteria provided, single submitter. Criteria: Invitae Variant Classification Sherloc (09022015). Collection method: clinical testing. Allele origin: germline.
Comment: This sequence change replaces phenylalanine, which is neutral and non-polar, with serine, which is neutral and polar, at codon 416 of the CYP27A1 protein (p.Phe416Ser). This variant is not present in population databases (gnomAD no frequency). This variant has not been reported in the literature in individuals affected with CYP27A1-related conditions. Advanced modeling of protein sequence and biophysical properties (such as structural, functional, and spatial information, amino acid conservation, physicochemical variation, residue mobility, and thermodynamic stability) performed at Invitae indicates that this missense variant is not expected to disrupt CYP27A1 protein function. In summary, the available evidence is currently insufficient to determine the role of this variant in disease. Therefore, it has been classified as a Variant of Uncertain Significance.